The following is an entry in ClinVar:

NM_001378120.1(MBD5):c.5157A>T (p.Lys1719Asn)

Gene: MBD5 (methyl-CpG binding domain protein 5; plus strand). Cytogenetic location: 2q23.1.
Variant type: single nucleotide variant.
Coding change: c.5157A>T on transcript NM_001378120.1 (MANE Select); coding-DNA position 5157, A replaced by T.
Protein change: p.Lys1719Asn; replaces lysine 1719 with asparagine.
Molecular consequence: missense variant.
Genome position (GRCh38, 1-based): chr2:148,512,914, A>T. VCF-style: chr2-148512914-A-T. GRCh37 (hg19) VCF-style: chr2-149270483-A-T.
Other names: c.4458A>T, p.Lys1486Asn (NM_018328.5); short protein forms K1486N, K1719N.
Identifiers: ClinVar variation 546506 (VCV000546506.5), dbSNP rs1553523408, ClinGen allele CA348859427.

ClinVar aggregate classification (germline): Uncertain significance. Review status: criteria provided, multiple submitters, no conflicts (2 of 4 stars). 2 submissions from 2 submitters: Uncertain significance (2). Last evaluated 2024-04-29.

Conditions:
Intellectual developmental disorder, autosomal dominant 1. Also called: Intellectual disability, autosomal dominant 1; MBD5 Haploinsufficiency. Identifiers: Orphanet 228402, MedGen C1969562, MONDO:0007974, OMIM 156200.

Allele frequency attached by ClinVar (database versions not stated): gnomAD exomes below 0.00001.
gnomAD v4.1: 4 of 1,613,812 alleles (0.00025%); highest among the groups gnomAD compares: Non-Finnish European, 0.00034%; no homozygotes.

Submissions (2):

Labcorp Genetics (formerly Invitae), Labcorp
Classification: Uncertain significance for Intellectual developmental disorder, autosomal dominant 1. Last evaluated: 2024-04-29. Review status: criteria provided, single submitter. Criteria: Invitae Variant Classification Sherloc (09022015). Collection method: clinical testing. Allele origin: germline.
Comment: This sequence change replaces lysine, which is basic and polar, with asparagine, which is neutral and polar, at codon 1486 of the MBD5 protein (p.Lys1486Asn). This variant is not present in population databases (gnomAD no frequency). This variant has not been reported in the literature in individuals affected with MBD5-related conditions. ClinVar contains an entry for this variant (Variation ID: 546506). Experimental studies and prediction algorithms are not available or were not evaluated, and the functional significance of this variant is currently unknown. In summary, the available evidence is currently insufficient to determine the role of this variant in disease. Therefore, it has been classified as a Variant of Uncertain Significance.

GeneDx
Classification: Uncertain significance. Last evaluated: 2018-05-25. Review status: criteria provided, single submitter. Criteria: GeneDx Variant Classification (06012015). Collection method: clinical testing. Allele origin: germline. Affected: yes.
Comment: A variant of uncertain significance has been identified in the MBD5 gene. The K1486N variant has not been published as a pathogenic variant, nor has it been reported as a benign variant to our knowledge. This variant is not observed in large population cohorts (Lek et al., 2016). The K1486N variant is a semi-conservative amino acid substitution, which may impact secondary protein structure as these residues differ in some properties. However, in-silico analyses, including protein predictors and evolutionary conservation, support that this variant does not alter protein structure/function. Therefore, based on the currently available information, it is unclear whether this variant is a pathogenic variant or a rare benign variant.